The following is an entry in ClinVar:

ClinVar aggregate classification (germline): Likely pathogenic (1 of 4 stars; one submission).

Conditions:
Autosomal dominant intellectual disability-craniofacial anomalies-cardiac defects syndrome (ARTHS). Also called: Arboleda-Tham syndrome; Mental retardation, autosomal dominant 32; KAT6A syndrome. Identifiers: Orphanet 457193, MedGen C4225396, MONDO:0014558, OMIM 616268.

Submission:

Broad Center for Mendelian Genomics, Broad Institute of MIT and Harvard
Classification: Likely pathogenic for Autosomal dominant intellectual disability-craniofacial anomalies-cardiac defects syndrome. Last evaluated: 2026-03-02. Review status: criteria provided, single submitter. Criteria: ACMG Guidelines, 2015. Collection method: research. Allele origin: germline. Inheritance: Autosomal dominant inheritance.
Comment: The p.Glu1275Ter variant in KAT6A has not been previously reported in the literature in individuals with Arboleda-Tham syndrome and was absent from large population studies. This nonsense variant leads to a premature termination codon at position 1275. This alteration occurs within the last exon and is more likely to escape nonsense mediated decay (NMD) and result in a truncated protein. Several truncating variants downstream of this variant are pathogenic/likely pathogenic, which implies this region is critical to protein function. Heterozygous loss of function of the KAT6A gene is an established disease mechanism in Arboleda-Tham syndrome. In summary, although additional studies are required to fully establish its clinical significance, this variant is likely pathogenic for autosomal dominant Arboleda-Tham syndrome. ACMG/AMP Criteria applied: PVS1, PM2_supporting (Richards 2015).

NM_006766.5(KAT6A):c.3823G>T (p.Glu1275Ter)

Gene: KAT6A (lysine acetyltransferase 6A; minus strand). Cytogenetic location: 8p11.21.
Variant type: single nucleotide variant.
Coding change: c.3823G>T on transcript NM_006766.5 (MANE Select); coding-DNA position 3823, G replaced by T.
Protein change: p.Glu1275Ter; replaces glutamic acid 1275 with a stop codon.
Molecular consequence: nonsense.
Genome position (GRCh38, 1-based): chr8:41,934,397, C>A on the plus strand (G>T on the coding strand, the complement: KAT6A is on the minus strand). VCF-style: chr8-41934397-C-A. GRCh37 (hg19) VCF-style: chr8-41791915-C-A.
Other names: NM_006766.5:c.3823G>T; short protein forms E1275*.
Identifiers: ClinVar variation 4819448 (VCV004819448.1).